The following is an entry in ClinVar:

NM_001042492.3(NF1):c.1186-1G>T

Gene: NF1 (neurofibromin 1; plus strand). Cytogenetic location: 17q11.2.
Variant type: single nucleotide variant.
Coding change: c.1186-1G>T on transcript NM_001042492.3 (MANE Select); the canonical splice acceptor site of the intron before coding-DNA position 1186, G replaced by T.
Molecular consequence: splice acceptor variant.
Genome position (GRCh38, 1-based): chr17:31,201,410, G>T. VCF-style: chr17-31201410-G-T. GRCh37 (hg19) VCF-style: chr17-29528428-G-T.
Other names: c.1186-1G>T (NM_000267.4, NM_001128147.3).
Identifiers: ClinVar variation 233994 (VCV000233994.10), dbSNP rs876660782, ClinGen allele CA10580215.

ClinVar aggregate classification (germline): Pathogenic/Likely pathogenic. Review status: criteria provided, multiple submitters, no conflicts (2 of 4 stars). 3 submissions from 3 submitters: Pathogenic (1); Likely pathogenic (2). Last evaluated 2025-08-12.

Conditions:
Hereditary cancer-predisposing syndrome. Also called: Tumor predisposition; Hereditary Cancer Syndrome; Hereditary neoplastic syndrome; Neoplastic Syndromes, Hereditary. Identifiers: Orphanet 140162, MedGen C0027672, MeSH D009386, MONDO:0015356.
Neurofibromatosis, type 1 (NF1). Also called: VON RECKLINGHAUSEN DISEASE; NEUROFIBROMATOSIS, TYPE I, SOMATIC; Peripheral type neurofibromatosis; Neurofibromatosis, type I. Identifiers: Orphanet 636, MedGen C0027831, MONDO:0018975, OMIM 162200. Disease mechanism: loss of function.

Submissions (3):

Labcorp Genetics (formerly Invitae), Labcorp
Classification: Pathogenic for Neurofibromatosis, type 1. Last evaluated: 2025-08-12. Review status: criteria provided, single submitter. Criteria: Invitae Variant Classification Sherloc (09022015). Collection method: clinical testing. Allele origin: germline.
Comment: This sequence change affects an acceptor splice site in intron 10 of the NF1 gene. RNA analysis indicates that disruption of this splice site induces altered splicing and likely results in the loss of 5 amino acid residue(s), but is expected to preserve the integrity of the reading-frame. This variant is not present in population databases (gnomAD no frequency). Disruption of this splice site has been observed in individual(s) with neurofibromatosis type 1 (PMID: 31766501, 33443663). In at least one individual the variant was observed to be de novo. Invitae Evidence Modeling of clinical and family history, age, sex, and reported ancestry of multiple individuals with this NF1 variant has been performed. This variant is expected to be pathogenic with a positive predictive value of at least 99%. This is a validated machine learning model that incorporates the clinical features of 1,785,918 individuals referred to our laboratory for NF1 testing. ClinVar contains an entry for this variant (Variation ID: 233994). Studies have shown that disruption of this splice site results in the activation of a cryptic splice site in exon 6 (PMID: 31766501). For these reasons, this variant has been classified as Pathogenic.

Genome-Nilou Lab
Classification: Likely pathogenic for Neurofibromatosis, type 1. Last evaluated: 2022-03-15. Review status: criteria provided, single submitter. Criteria: ACMG Guidelines, 2015. Collection method: clinical testing. Allele origin: germline. Affected: no.

Ambry Genetics
Classification: Likely pathogenic for Hereditary cancer-predisposing syndrome. Last evaluated: 2015-09-23. Review status: criteria provided, single submitter. Criteria: Ambry Autosomal Dominant and X-Linked criteria (10/2015). Collection method: clinical testing. Allele origin: germline. Observed: 1 variant allele.
Comment: The c.1186-1G>T intronic variant results from a G to T substitution one nucleotide upstream from coding exon 11 of the NF1 gene. This variant was not reported in population based cohorts in the following databases: Database of Single Nucleotide Polymorphisms (dbSNP), NHLBI Exome Sequencing Project (ESP), and 1000 Genomes Project. In the ESP, this variant was not observed in 6494 samples (12988 alleles) with coverage at this position. This nucleotide position is highly conserved in available vertebrate species. Using the BDGP and ESEfinder splice site prediction tools, this alteration is predicted to abolish the native splice acceptor site; however, direct evidence is unavailable.Alterations that disrupt the canonical splice acceptor site are typically deleterious in nature (ACMG Recommendations for Standards for Interpretation and Reporting of Sequence Variations. Revision 2007. Genet Med. 2008;10:294). As such, the c.1186-1G>Tvariant is classified as likely pathogenic.

Literature cited by the submitters: PubMed 31766501 (cited by Labcorp Genetics (formerly Invitae), Labcorp); PubMed 33443663 (cited by Labcorp Genetics (formerly Invitae), Labcorp).